The following is an entry in ClinVar:

NM_001330078.2(NRXN1):c.250A>T (p.Thr84Ser)

Gene: NRXN1 (neurexin 1; minus strand). Cytogenetic location: 2p16.3.
Variant type: single nucleotide variant.
Coding change: c.250A>T on transcript NM_001330078.2 (MANE Select); coding-DNA position 250, A replaced by T.
Protein change: p.Thr84Ser; replaces threonine 84 with serine.
Molecular consequence: missense variant.
Genome position (GRCh38, 1-based): chr2:51,028,024, T>A on the plus strand (A>T on the coding strand, the complement: NRXN1 is on the minus strand). VCF-style: chr2-51028024-T-A. GRCh37 (hg19) VCF-style: chr2-51255162-T-A.
Other names: c.250A>T, p.Thr84Ser (NM_001330094.2, NM_001330095.2, NM_001330088.2 and 15 more transcripts); short protein forms T84S.
Identifiers: ClinVar variation 2830010 (VCV002830010.3), dbSNP rs779705779, ClinGen allele CA48054928.

ClinVar aggregate classification (germline): Uncertain significance (1 of 4 stars; one submission).

Conditions:
Pitt-Hopkins-like syndrome 2 (PTHSL2). Identifiers: Orphanet 221150, Orphanet 600663, MedGen C3280479, MONDO:0013690, OMIM 614325.

Submission:

Labcorp Genetics (formerly Invitae), Labcorp
Classification: Uncertain significance for Pitt-Hopkins-like syndrome 2. Last evaluated: 2024-01-19. Review status: criteria provided, single submitter. Criteria: Invitae Variant Classification Sherloc (09022015). Collection method: clinical testing. Allele origin: germline.
Comment: This sequence change replaces threonine, which is neutral and polar, with serine, which is neutral and polar, at codon 84 of the NRXN1 protein (p.Thr84Ser). This variant is not present in population databases (gnomAD no frequency). This variant has not been reported in the literature in individuals affected with NRXN1-related conditions. An algorithm developed to predict the effect of missense changes on protein structure and function (PolyPhen-2) suggests that this variant is likely to be tolerated. In summary, the available evidence is currently insufficient to determine the role of this variant in disease. Therefore, it has been classified as a Variant of Uncertain Significance.